The following is an entry in ClinVar:

Conditions:
Arteriohepatic dysplasia. Also called: Alagille Syndrome. Identifiers: Orphanet 52, MedGen C0085280, MeSH D016738, MONDO:0007318.

Submission:

Gilbert/Spinner Lab, Children's Hospital of Philadelphia
No classification provided (evidence only). Condition: Alagille syndrome. Review status: no classification provided. Collection method: research. Allele origin: not applicable. Functional consequence: functionally_abnormal.
ClinVar note: "not provided" was previously submitted as the classification for the variant. However, the classification appeared to be based only on an observation of functional data so it was converted to no classification on 2025-07-30.

NM_000214.3(JAG1):c.36C>G (p.Arg12=)

Gene: JAG1 (jagged canonical Notch ligand 1; minus strand). Cytogenetic location: 20p12.2.
Variant type: single nucleotide variant.
Coding change: c.36C>G on transcript NM_000214.3 (MANE Select); coding-DNA position 36, C replaced by G.
Protein change: p.Arg12=; no amino-acid change (arginine 12 retained).
Molecular consequence: synonymous variant.
Genome position (GRCh38, 1-based): chr20:10,673,495, G>C on the plus strand (C>G on the coding strand, the complement: JAG1 is on the minus strand). VCF-style: chr20-10673495-G-C. GRCh37 (hg19) VCF-style: chr20-10654143-G-C.
Identifiers: ClinVar variation 3573209 (VCV003573209.2).